The following is an entry in ClinVar:

ClinVar aggregate classification (germline): Likely benign (1 of 4 stars; one submission).

Conditions:
Behavior disorder. Also called: Behavioral disorder. Identifiers: MedGen C0004930.

Allele frequency attached by ClinVar (database versions not stated): gnomAD exomes 0.00064 and 0.00135; ExAC 0.00153; TOPMed 0.00694; gnomAD 0.00736; 1000 Genomes Project 0.01018; 1000 Genomes Project 30x 0.01093.
gnomAD v4.1: 1,858 of 1,303,672 alleles (0.14%); highest among the groups gnomAD compares: African/African-American, 2.6%; 31 homozygotes.

Submission:

Illumina Laboratory Services, Illumina
Classification: Likely benign for Behavior disorder. Last evaluated: 2018-01-13. Review status: criteria provided, single submitter. Criteria: ICSL Variant Classification Criteria 13 December 2019. Collection method: clinical testing. Allele origin: germline.
Comment: This variant was observed in the ICSL laboratory as part of a predisposition screen in an ostensibly healthy population. It had not been previously curated by ICSL or reported in the Human Gene Mutation Database (HGMD: prior to June 1st, 2018), and was therefore a candidate for classification through an automated scoring system. Utilizing variant allele frequency, disease prevalence and penetrance estimates, and inheritance mode, an automated score was calculated to assess if this variant is too frequent to cause the disease. Based on the score and internal cut-off values, a variant classified as likely benign is not then subjected to further curation. The score for this variant resulted in a classification of likely benign for this disease.

NM_001045.6(SLC6A4):c.-173C>G

Gene: SLC6A4 (solute carrier family 6 member 4; minus strand). Cytogenetic location: 17q11.2.
Variant type: single nucleotide variant.
Coding change: c.-173C>G on transcript NM_001045.6 (MANE Select); 173 bases upstream of the start codon, C replaced by G.
Molecular consequence: 5 prime UTR variant.
Genome position (GRCh38, 1-based): chr17:30,222,868, G>C on the plus strand (C>G on the coding strand, the complement: SLC6A4 is on the minus strand). VCF-style: chr17-30222868-G-C. GRCh37 (hg19) VCF-style: chr17-28549886-G-C.
Identifiers: ClinVar variation 322545 (VCV000322545.5), dbSNP rs45541837, ClinGen allele CA8480559.